The following is an entry in ClinVar:

ClinVar aggregate classification (germline): Uncertain significance (1 of 4 stars; one submission).

Conditions:
PLXNA1-related disorder. Also called: PLXNA1-related condition.

Allele frequency attached by ClinVar (database versions not stated): TOPMed below 0.00001; ExAC 0.00001; gnomAD 0.00001.
gnomAD v4.1: 2 of 1,613,752 alleles (0.00012%); highest among the groups gnomAD compares: African/African-American, 0.0027%; no homozygotes.

Submission:

PreventionGenetics, part of Exact Sciences
Classification: Uncertain significance for PLXNA1-related condition. Last evaluated: 2025-10-13. Review status: criteria provided, single submitter. Criteria: ACMG Guidelines, 2015. Collection method: clinical testing. Allele origin: germline.
Comment: The PLXNA1 c.2337C>A variant is not predicted to result in an amino acid change (p.=). Based on available splicing prediction programs, this variant has contradicting predictions on its effect on splicing (SpliceAI, Jaganathan et al. 2019. PubMed ID: 30661751; Alamut Visual Plus v1.6.1). The use of prediction programs is not equivalent to functional evidence. To our knowledge, this variant has not been reported in the literature. This variant is reported in 0.0080% of alleles in individuals of African descent in gnomAD. At this time, the clinical significance of this variant is uncertain due to the absence of conclusive functional and genetic evidence.

NM_032242.4(PLXNA1):c.2337C>A (p.Val779=)

Gene: PLXNA1 (plexin A1; plus strand). Cytogenetic location: 3q21.3.
Variant type: single nucleotide variant.
Coding change: c.2337C>A on transcript NM_032242.4 (MANE Select); coding-DNA position 2337, C replaced by A.
Protein change: p.Val779=; no amino-acid change (valine 779 retained).
Molecular consequence: synonymous variant.
Genome position (GRCh38, 1-based): chr3:127,014,043, C>A. VCF-style: chr3-127014043-C-A. GRCh37 (hg19) VCF-style: chr3-126732886-C-A.
Identifiers: ClinVar variation 2635877 (VCV002635877.2), dbSNP rs762972758, ClinGen allele CA2593588.